The following is an entry in ClinVar:

NM_000135.4(FANCA):c.4121G>A (p.Ser1374Asn)

Genes: FANCA (FA complementation group A; minus strand), ZNF276 (zinc finger protein 276; plus strand). Cytogenetic location: 16q24.3.
Variant type: single nucleotide variant.
Coding change: c.4121G>A on transcript NM_000135.4 (MANE Select); coding-DNA position 4121, G replaced by A.
Protein change: p.Ser1374Asn; replaces serine 1374 with asparagine.
Molecular consequence: missense variant. On other transcripts: 3 prime UTR variant (2), non-coding transcript variant (4).
Genome position (GRCh38, 1-based): chr16:89,739,179, C>T on the plus strand (G>A on the coding strand, the complement: FANCA is on the minus strand). VCF-style: chr16-89739179-C-T. GRCh37 (hg19) VCF-style: chr16-89805587-C-T.
Other names: c.*933C>T (NM_152287.4, NM_001113525.2); c.4121G>A, p.Ser1374Asn (NM_001286167.3); short protein forms S1374N.
Identifiers: ClinVar variation 4870815 (VCV004870815.1).

ClinVar aggregate classification (germline): Uncertain significance (1 of 4 stars; one submission).

Conditions:
Inborn genetic diseases. Identifiers: MedGen C0950123, MeSH D030342.

Submission:

Ambry Genetics
Classification: Uncertain significance for Inborn genetic diseases. Last evaluated: 2026-04-04. Review status: criteria provided, single submitter. Criteria: Ambry Variant Classification Scheme 2023. Collection method: clinical testing. Allele origin: germline.
Comment: The p.S1374N variant (also known as c.4121G>A), located in coding exon 41 of the FANCA gene, results from a G to A substitution at nucleotide position 4121. The serine at codon 1374 is replaced by asparagine, an amino acid with highly similar properties. This amino acid position is conserved. In addition, this alteration is predicted to be tolerated by in silico analysis. Based on the available evidence, the clinical significance of this variant remains unclear.